The following is an entry in ClinVar:

ClinVar aggregate classification (germline): Likely benign. Review status: criteria provided, multiple submitters, no conflicts (2 of 4 stars). 4 submissions from 4 submitters: Likely benign (4). Last evaluated 2026-03-01.

Conditions:
Inborn genetic diseases. Identifiers: MedGen C0950123, MeSH D030342.

Allele frequency attached by ClinVar (database versions not stated): ExAC 0.00003; gnomAD exomes 0.00004 and 0.00012; TOPMed 0.00009; gnomAD 0.00010 and 0.00011; ESP Exome Variant Server 0.00015.
gnomAD v4.1: 190 of 1,614,000 alleles (0.012%); highest among the groups gnomAD compares: Middle Eastern, 0.033%; no homozygotes.

Submissions (4):

CeGaT Center for Human Genetics Tuebingen
Classification: Likely benign. Last evaluated: 2026-03-01. Review status: criteria provided, single submitter. Criteria: CeGaT Center For Human Genetics Tuebingen Variant Classification Criteria Version 2. Collection method: clinical testing. Allele origin: germline. Affected: yes. Observed: 3 variant alleles.
Comment: MDH2: BP4, BP7

Blueprint Genetics
Classification: Likely benign. Last evaluated: 2024-11-14. Review status: criteria provided, single submitter. Criteria: ACMG Guidelines, 2015. Collection method: clinical testing. Allele origin: germline.

Labcorp Genetics (formerly Invitae), Labcorp
Classification: Likely benign. Last evaluated: 2024-10-29. Review status: criteria provided, single submitter. Criteria: Invitae Variant Classification Sherloc (09022015). Collection method: clinical testing. Allele origin: germline.

Ambry Genetics
Classification: Likely benign for Inborn genetic diseases. Last evaluated: 2022-02-13. Review status: criteria provided, single submitter. Criteria: Ambry Variant Classification Scheme 2023. Collection method: clinical testing. Allele origin: germline.

NM_005918.4(MDH2):c.297G>A (p.Pro99=)

Gene: MDH2 (malate dehydrogenase 2; plus strand). Cytogenetic location: 7q11.23.
Variant type: single nucleotide variant.
Coding change: c.297G>A on transcript NM_005918.4 (MANE Select); coding-DNA position 297, G replaced by A.
Protein change: p.Pro99=; no amino-acid change (proline 99 retained).
Molecular consequence: synonymous variant. On other transcripts: 5 prime UTR variant (1).
Genome position (GRCh38, 1-based): chr7:76,057,471, G>A. VCF-style: chr7-76057471-G-A. GRCh37 (hg19) VCF-style: chr7-75686789-G-A.
Other names: c.297G>A, p.Pro99= (NM_001282403.2); c.-25G>A (NM_001282404.2).
Identifiers: ClinVar variation 1013548 (VCV001013548.46), dbSNP rs147689281, ClinGen allele CA4305482.